The following is an entry in ClinVar:

ClinVar aggregate classification (germline): Likely pathogenic. Review status: reviewed by expert panel (3 of 4 stars). 2 submissions from 2 submitters: Likely pathogenic (1). 1 of the submissions does not count toward it. Last evaluated 2024-04-05.

Conditions:
Glycogen storage disease, type II (IOPD). Also called: POMPE DISEASE, INFANTILE-ONSET; GLYCOGEN STORAGE DISEASE II, INFANTILE-ONSET; ACID ALPHA-GLUCOSIDASE DEFICIENCY, INFANTILE-ONSET; GAA DEFICIENCY, INFANTILE-ONSET; ACID MALTASE DEFICIENCY, INFANTILE-ONSET; GLYCOGENOSIS, GENERALIZED, CARDIAC FORM. Identifiers: Orphanet 365, MedGen C0017921, MONDO:0009290, OMIM 232300.

Submissions (2):

ClinGen Lysosomal Storage Disorder Variant Curation Expert Panel
Classification: Likely pathogenic for Glycogen storage disease, type II. Last evaluated: 2024-04-05. Review status: reviewed by expert panel. Criteria: clingen_lsd_acmg_specifications_v2-1. Collection method: curation. Allele origin: germline. Inheritance: Autosomal recessive inheritance.
Comment: The NM_000152.5:c.2617dup (p.Tyr873LeufsTer11) variant in GAA is a frameshift variant that is predicted to cause a premature stop codon at the junction of biologically-relevant-exons 18 and 19 (GAA has 20 exons), leading to nonsense mediated decay in a gene in which loss-of-function is an established disease mechanism (PVS1). This variant is absent in gnomAD v2.1.1 (PM2_Supporting). To our knowledge, this variant has not been reported in the literature in patients with Pompe disease. There is a ClinVar entry for this variant (Variation ID: 550478). The classification of this variant has been upgraded from Variant of Uncertain Significance to likely pathogenic based on the recommendations of the ClinGen Sequence Variant Interpretation Working Group, that a variant meeting PVS1 and PM2_Supporting is classified as Likely Pathogenic. The classification was first approved by the ClinGen Lysosomal Diseases Variant Curation Expert Panel on September 7, 2021. Since then, the data for this variant have been re-evaluated - no new data were identified. The classification of likely pathogenic was reapproved on April 5, 2024. GAA-specific ACMG/AMP criteria met, as specified by the ClinGen Lysosomal Diseases Variant Curation Expert Panel (Specifications Version 2.0): PVS1, PM2_Supporting.

Counsyl
Classification: Likely pathogenic for Glycogen storage disease, type II. Last evaluated: 2017-01-25. Review status: no assertion criteria provided. Collection method: clinical testing. Allele origin: unknown. Not counted in ClinVar's aggregate classification.

NM_000152.5(GAA):c.2617dup (p.Tyr873fs)

Gene: GAA (alpha glucosidase; plus strand). Cytogenetic location: 17q25.3.
Variant type: Duplication.
Coding change: c.2617dup on transcript NM_000152.5 (MANE Select); coding-DNA position 2617, one base duplicated (T; older notation c.2617dupT).
Protein change: p.Tyr873fs; shifts the reading frame from tyrosine 873.
Molecular consequence: frameshift variant.
Genome position (GRCh38, 1-based): chr17:80,118,328, T duplicated. VCF-style (leftmost placement, unchanged base first): chr17-80118327-C-CT. GRCh37 (hg19) VCF-style: chr17-78092126-C-CT.
Other names: NM_000152.5(GAA):c.2617dup; p.Tyr873fs; c.2617dup (LRG_673t1); c.2617dupT (NM_000152.3); c.2617dup, p.Tyr873fs (NM_001079803.3, NM_001079804.3); short protein forms Y873fs.
Identifiers: ClinVar variation 550478 (VCV000550478.6), dbSNP rs1555603131, ClinGen allele CA658824790.